The following is an entry in ClinVar:

ClinVar aggregate classification (germline): Uncertain significance (1 of 4 stars; one submission).

Submission:

GeneDx
Classification: Uncertain significance. Last evaluated: 2024-12-06. Review status: criteria provided, single submitter. Criteria: GeneDx Variant Classification Process June 2021. Collection method: clinical testing. Allele origin: germline. Affected: yes.
Comment: Not observed at significant frequency in large population cohorts (gnomAD); In silico analysis supports a deleterious effect on splicing; Has not been previously published as pathogenic or benign to our knowledge

NM_001042492.3(NF1):c.4174-15_4174-10delinsGG

Gene: NF1 (neurofibromin 1; plus strand). Cytogenetic location: 17q11.2.
Variant type: Indel.
Coding change: c.4174-15_4174-10delinsGG on transcript NM_001042492.3 (MANE Select); 15 bases into the intron before coding-DNA position 4174 through 10 bases into the intron before coding-DNA position 4174, ACTCCT replaced by GG.
Molecular consequence: intron variant.
Genome position (GRCh38, 1-based): chr17:31,258,329-31,258,334, ACTCCT replaced by GG. VCF-style: chr17-31258329-ACTCCT-GG. GRCh37 (hg19) VCF-style: chr17-29585347-ACTCCT-GG.
Other names: c.4111-15_4111-10delinsGG (NM_000267.4).
Identifiers: ClinVar variation 3901672 (VCV003901672.1).